The following is an entry in ClinVar:

ClinVar aggregate classification (germline): Likely benign (1 of 4 stars; one submission).

Submission:

Molecular Diagnostic Laboratory for Inherited Cardiovascular Disease, Montreal Heart Institute
Classification: Likely benign. Last evaluated: 2026-09-21. Review status: criteria provided, single submitter. Criteria: ACMG Guidelines, 2015. Collection method: clinical testing. Allele origin: germline. Affected: no.
Comment: BP1

NM_001267550.2(TTN):c.11312-5142G>C

Gene: TTN (titin; minus strand). Cytogenetic location: 2q31.2.
Variant type: single nucleotide variant.
Coding change: c.11312-5142G>C on transcript NM_001267550.2 (MANE Select); 5142 bases into the intron before coding-DNA position 11312, G replaced by C.
Molecular consequence: intron variant. On other transcripts: missense variant (1).
Genome position (GRCh38, 1-based): chr2:178,747,063, C>G on the plus strand (G>C on the coding strand, the complement: TTN is on the minus strand). VCF-style: chr2-178747063-C-G. GRCh37 (hg19) VCF-style: chr2-179611790-C-G.
Other names: c.15337G>C, p.Ala5113Pro (NM_133379.5); c.10223-5142G>C (NM_003319.4); c.10799-5142G>C (NM_133437.4); c.10598-5142G>C (NM_133432.3); c.10360+6061G>C (NM_133378.4); c.10361-5142G>C (NM_001256850.1); short protein forms A5113P.
Identifiers: ClinVar variation 5037800 (VCV005037800.1).